The following is an entry in ClinVar:

ClinVar aggregate classification (germline): Likely pathogenic (1 of 4 stars; one submission).

Conditions:
Cystinuria (CSNU). Also called: Cystinuria, non-type I; CYSTINURIA, TYPE I; CYSTINURIA, TYPE II; CYSTINURIA, TYPE III. Identifiers: Orphanet 214, MedGen C0010691, MONDO:0009067, OMIM 220100, HP:0003131.

gnomAD v4.1: 1 of 1,611,432 alleles (0.000062%); highest among the groups gnomAD compares: Non-Finnish European, 0.000085%; no homozygotes.

Submission:

HUSP Clinical Genetics Laboratory, Hospital Universitario San Pedro De Logroño (HUSP)
Classification: Likely pathogenic for Cystinuria. Review status: criteria provided, single submitter. Criteria: ACMG Guidelines, 2015. Collection method: clinical testing. Allele origin: unknown. Inheritance: Autosomal recessive inheritance. Affected: yes. Observed: 1 variant allele.
Comment: It results in a frameshift, a premature termination codon and, therefore, a truncated protein (p.Ser168Ter). This variant is not detected in general population and has been reported as pathogenic in HGMD (CM014093). Pathogenic variants in SLC3A1 have been associated with Cystinuria (OMIM: 220100). This clinical entity is characterized by formation of calculi in the urinary tract, resulting in obstructive uropathy, pyelonephritis, and, rarely, renal failure. The inheritance pattern is complex. Some patients show classic autosomal recessive inheritance, but manifesting heterozygotes suggests that the disease can also be transmitted in an autosomal dominant pattern with incomplete penetrance.

NM_000341.4(SLC3A1):c.503C>A (p.Ser168Ter)

Gene: SLC3A1 (solute carrier family 3 member 1; plus strand). Cytogenetic location: 2p21.
Variant type: single nucleotide variant.
Coding change: c.503C>A on transcript NM_000341.4 (MANE Select); coding-DNA position 503, C replaced by A.
Protein change: p.Ser168Ter; replaces serine 168 with a stop codon.
Molecular consequence: nonsense.
Genome position (GRCh38, 1-based): chr2:44,280,788, C>A. VCF-style: chr2-44280788-C-A. GRCh37 (hg19) VCF-style: chr2-44507927-C-A.
Other names: short protein forms S168*.
Identifiers: ClinVar variation 3237194 (VCV003237194.1), dbSNP rs200001778.